The following is an entry in ClinVar:

NM_001005498.4(RHBDF2):c.*703G>A

Gene: RHBDF2 (rhomboid 5 homolog 2; minus strand). Cytogenetic location: 17q25.1.
Variant type: single nucleotide variant.
Coding change: c.*703G>A on transcript NM_001005498.4 (MANE Select); 703 bases downstream of the stop codon, G replaced by A.
Molecular consequence: 3 prime UTR variant. On other transcripts: non-coding transcript variant (3).
Genome position (GRCh38, 1-based): chr17:76,470,930, C>T on the plus strand (G>A on the coding strand, the complement: RHBDF2 is on the minus strand). VCF-style: chr17-76470930-C-T. GRCh37 (hg19) VCF-style: chr17-74467012-C-T.
Other names: c.*703G>A (NM_001376228.1, NM_001376229.1, NM_001376230.1 and 1 more transcripts).
Identifiers: ClinVar variation 888632 (VCV000888632.4), dbSNP rs576948274, ClinGen allele CA294180491.

ClinVar aggregate classification (germline): Benign (1 of 4 stars; one submission).

Conditions:
Palmoplantar keratoderma-esophageal carcinoma syndrome (TOC). Also called: PALMOPLANTAR KERATODERMA WITH ESOPHAGEAL CANCER; Tylosis with Esophageal Cancer; KERATOSIS PALMARIS ET PLANTARIS WITH ESOPHAGEAL CANCER. Identifiers: Orphanet 2198, MedGen C1835664, MONDO:0007856, OMIM 148500.

Allele frequency attached by ClinVar (database versions not stated): gnomAD 0.00001 and 0.00016; TOPMed 0.00005; 1000 Genomes Project 0.00200; 1000 Genomes Project 30x 0.00203.

Submission:

Illumina Laboratory Services, Illumina
Classification: Benign for Palmoplantar keratoderma-esophageal carcinoma syndrome. Last evaluated: 2018-01-13. Review status: criteria provided, single submitter. Criteria: ICSL Variant Classification Criteria 13 December 2019. Collection method: clinical testing. Allele origin: germline.
Comment: This variant was observed in the ICSL laboratory as part of a predisposition screen in an ostensibly healthy population. It had not been previously curated by ICSL or reported in the Human Gene Mutation Database (HGMD: prior to June 1st, 2018), and was therefore a candidate for classification through an automated scoring system. Utilizing variant allele frequency, disease prevalence and penetrance estimates, and inheritance mode, an automated score was calculated to assess if this variant is too frequent to cause the disease. Based on the score and internal cut-off values, a variant classified as benign is not then subjected to further curation. The score for this variant resulted in a classification of benign for this disease.